The following is an entry in ClinVar:

ClinVar aggregate classification (germline): Uncertain significance. Review status: criteria provided, multiple submitters, no conflicts (2 of 4 stars). 2 submissions from 2 submitters: Uncertain significance (2). Last evaluated 2025-06-12.

Conditions:
Hereditary cancer-predisposing syndrome. Also called: Tumor predisposition; Hereditary neoplastic syndrome; Neoplastic Syndromes, Hereditary; Hereditary Cancer Syndrome. Identifiers: Orphanet 140162, MedGen C0027672, MeSH D009386, MONDO:0015356.

Allele frequency attached by ClinVar (database versions not stated): gnomAD exomes below 0.00001; gnomAD 0.00001.
gnomAD v4.1: 3 of 1,613,386 alleles (0.00019%); highest among the groups gnomAD compares: East Asian, 0.0045%; no homozygotes.

Submissions (2):

Ambry Genetics
Classification: Uncertain significance for Hereditary cancer-predisposing syndrome. Last evaluated: 2025-06-12. Review status: criteria provided, single submitter. Criteria: Ambry Variant Classification Scheme 2023. Collection method: clinical testing. Allele origin: germline.
Comment: The p.Y1078H variant (also known as c.3232T>C), located in coding exon 26 of the POLE gene, results from a T to C substitution at nucleotide position 3232. The tyrosine at codon 1078 is replaced by histidine, an amino acid with similar properties. This amino acid position is conserved. In addition, this alteration is predicted to be tolerated by in silico analysis. Based on the available evidence, the clinical significance of this variant remains unclear.

Labcorp Genetics (formerly Invitae), Labcorp
Classification: Uncertain significance. Last evaluated: 2023-09-03. Review status: criteria provided, single submitter. Criteria: Invitae Variant Classification Sherloc (09022015). Collection method: clinical testing. Allele origin: germline.
Comment: In summary, the available evidence is currently insufficient to determine the role of this variant in disease. Therefore, it has been classified as a Variant of Uncertain Significance. Advanced modeling of protein sequence and biophysical properties (such as structural, functional, and spatial information, amino acid conservation, physicochemical variation, residue mobility, and thermodynamic stability) performed at Invitae indicates that this missense variant is expected to disrupt POLE protein function. ClinVar contains an entry for this variant (Variation ID: 1007812). This variant has not been reported in the literature in individuals affected with POLE-related conditions. This variant is not present in population databases (gnomAD no frequency). This sequence change replaces tyrosine, which is neutral and polar, with histidine, which is basic and polar, at codon 1078 of the POLE protein (p.Tyr1078His).

NM_006231.4(POLE):c.3232T>C (p.Tyr1078His)

Gene: POLE (DNA polymerase epsilon, catalytic subunit; minus strand). Cytogenetic location: 12q24.33.
Variant type: single nucleotide variant.
Coding change: c.3232T>C on transcript NM_006231.4 (MANE Select); coding-DNA position 3232, T replaced by C.
Protein change: p.Tyr1078His; replaces tyrosine 1078 with histidine.
Molecular consequence: missense variant.
Genome position (GRCh38, 1-based): chr12:132,659,338, A>G on the plus strand (T>C on the coding strand, the complement: POLE is on the minus strand). VCF-style: chr12-132659338-A-G. GRCh37 (hg19) VCF-style: chr12-133235924-A-G.
Other names: c.3232T>C (NM_006231.2); short protein forms Y1078H.
Identifiers: ClinVar variation 1007812 (VCV001007812.10), dbSNP rs2042628123, ClinGen allele CA387390433.